The following is an entry in ClinVar:

ClinVar aggregate classification (germline): Uncertain significance. Review status: criteria provided, multiple submitters, no conflicts (2 of 4 stars). 2 submissions from 2 submitters: Uncertain significance (2). Last evaluated 2024-05-07.

Conditions:
Inborn genetic diseases. Identifiers: MedGen C0950123, MeSH D030342.

Allele frequency attached by ClinVar (database versions not stated): gnomAD 0.00001; gnomAD exomes 0.00001; TOPMed 0.00001.
gnomAD v4.1: 14 of 1,613,672 alleles (0.00087%); highest among the groups gnomAD compares: Admixed American, 0.0033%; no homozygotes.

Submissions (2):

Ambry Genetics
Classification: Uncertain significance for Inborn genetic diseases. Last evaluated: 2024-05-07. Review status: criteria provided, single submitter. Criteria: Ambry Variant Classification Scheme 2023. Collection method: clinical testing. Allele origin: germline.

Labcorp Genetics (formerly Invitae), Labcorp
Classification: Uncertain significance. Last evaluated: 2022-03-12. Review status: criteria provided, single submitter. Criteria: Invitae Variant Classification Sherloc (09022015). Collection method: clinical testing. Allele origin: germline.
Comment: Algorithms developed to predict the effect of missense changes on protein structure and function are either unavailable or do not agree on the potential impact of this missense change (SIFT: "Tolerated"; PolyPhen-2: "Probably Damaging"; Align-GVGD: "Class C0"). In summary, the available evidence is currently insufficient to determine the role of this variant in disease. Therefore, it has been classified as a Variant of Uncertain Significance. This variant has not been reported in the literature in individuals affected with ADAMTS10-related conditions. This variant is present in population databases (no rsID available, gnomAD 0.003%). This sequence change replaces leucine, which is neutral and non-polar, with valine, which is neutral and non-polar, at codon 587 of the ADAMTS10 protein (p.Leu587Val).

NM_030957.4(ADAMTS10):c.1759C>G (p.Leu587Val)

Gene: ADAMTS10 (ADAM metallopeptidase with thrombospondin type 1 motif 10; minus strand). Cytogenetic location: 19p13.2.
Variant type: single nucleotide variant.
Coding change: c.1759C>G on transcript NM_030957.4 (MANE Select); coding-DNA position 1759, C replaced by G.
Protein change: p.Leu587Val; replaces leucine 587 with valine.
Molecular consequence: missense variant. On other transcripts: synonymous variant (1).
Genome position (GRCh38, 1-based): chr19:8,591,838, G>C on the plus strand (C>G on the coding strand, the complement: ADAMTS10 is on the minus strand). VCF-style: chr19-8591838-G-C. GRCh37 (hg19) VCF-style: chr19-8656722-G-C.
Other names: c.231C>G, p.Val77= (NM_001282352.2); c.1759C>G (NM_030957.2); short protein forms L587V.
Identifiers: ClinVar variation 1920938 (VCV001920938.5), dbSNP rs1410102300, ClinGen allele CA403752385.